The following is an entry in ClinVar:

NM_022489.4(INF2):c.3166G>C (p.Gly1056Arg)

Gene: INF2 (inverted formin 2; plus strand). Cytogenetic location: 14q32.33.
Variant type: single nucleotide variant.
Coding change: c.3166G>C on transcript NM_022489.4 (MANE Select); coding-DNA position 3166, G replaced by C.
Protein change: p.Gly1056Arg; replaces glycine 1056 with arginine.
Molecular consequence: missense variant. On other transcripts: non-coding transcript variant (1).
Genome position (GRCh38, 1-based): chr14:104,714,328, G>C. VCF-style: chr14-104714328-G-C. GRCh37 (hg19) VCF-style: chr14-105180665-G-C.
Other names: c.3166G>C, p.Gly1056Arg (NM_001031714.4, NM_001426862.1, NM_001426863.1 and 2 more transcripts); short protein forms G1056R.
Identifiers: ClinVar variation 3761431 (VCV003761431.2).

ClinVar aggregate classification (germline): Uncertain significance (1 of 4 stars; one submission).

Conditions:
Focal segmental glomerulosclerosis 5 (FSGS5). Identifiers: Orphanet 656, MedGen C2750475, MONDO:0013191, OMIM 613237.
Charcot-Marie-Tooth disease dominant intermediate E. Also called: CHARCOT-MARIE-TOOTH NEUROPATHY WITH FOCAL SEGMENTAL GLOMERULONEPHRITIS. Identifiers: Orphanet 93114, MedGen C4302667, MONDO:0013758, OMIM 614455.

gnomAD v4.1: 1 of 1,590,818 alleles (0.000063%); highest among the groups gnomAD compares: Admixed American, 0.0018%; no homozygotes.

Submission:

Labcorp Genetics (formerly Invitae), Labcorp
Classification: Uncertain significance for Charcot-Marie-Tooth disease dominant intermediate E; Focal segmental glomerulosclerosis 5. Last evaluated: 2024-10-16. Review status: criteria provided, single submitter. Criteria: Invitae Variant Classification Sherloc (09022015). Collection method: clinical testing. Allele origin: germline.
Comment: This sequence change replaces glycine, which is neutral and non-polar, with arginine, which is basic and polar, at codon 1056 of the INF2 protein (p.Gly1056Arg). This variant is not present in population databases (gnomAD no frequency). This variant has not been reported in the literature in individuals affected with INF2-related conditions. Invitae Evidence Modeling of protein sequence and biophysical properties (such as structural, functional, and spatial information, amino acid conservation, physicochemical variation, residue mobility, and thermodynamic stability) indicates that this missense variant is not expected to disrupt INF2 protein function with a negative predictive value of 95%. In summary, the available evidence is currently insufficient to determine the role of this variant in disease. Therefore, it has been classified as a Variant of Uncertain Significance.